The following is an entry in ClinVar:

NM_004380.3(CREBBP):c.1669G>A (p.Ala557Thr)

Gene: CREBBP (CREB binding protein; minus strand). Cytogenetic location: 16p13.3.
Variant type: single nucleotide variant.
Coding change: c.1669G>A on transcript NM_004380.3 (MANE Select); coding-DNA position 1669, G replaced by A.
Protein change: p.Ala557Thr; replaces alanine 557 with threonine.
Molecular consequence: missense variant.
Genome position (GRCh38, 1-based): chr16:3,781,211, C>T on the plus strand (G>A on the coding strand, the complement: CREBBP is on the minus strand). VCF-style: chr16-3781211-C-T. GRCh37 (hg19) VCF-style: chr16-3831212-C-T.
Other names: c.1555G>A, p.Ala519Thr (NM_001079846.1); short protein forms A519T, A557T.
Identifiers: ClinVar variation 1306210 (VCV001306210.2), dbSNP rs2053266251, ClinGen allele CA394556789.

ClinVar aggregate classification (germline): Uncertain significance (1 of 4 stars; one submission).

Allele frequency attached by ClinVar (database versions not stated): gnomAD exomes below 0.00001; gnomAD 0.00001.
gnomAD v4.1: 2 of 1,613,266 alleles (0.00012%); highest among the groups gnomAD compares: Non-Finnish European, 0.00017%; no homozygotes.

Submission:

GeneDx
Classification: Uncertain significance. Last evaluated: 2019-06-17. Review status: criteria provided, single submitter. Criteria: GeneDx Variant Classification Process June 2021. Collection method: clinical testing. Allele origin: germline. Affected: yes.
Comment: Not observed in large population cohorts (Lek et al., 2016); In silico analysis, which includes protein predictors and evolutionary conservation, supports that this variant does not alter protein structure/function; Has not been previously published as pathogenic or benign to our knowledge